The following is an entry in ClinVar:

NM_015450.3(POT1):c.773T>C (p.Met258Thr)

Gene: POT1 (protection of telomeres 1; minus strand). Cytogenetic location: 7q31.33.
Variant type: single nucleotide variant.
Coding change: c.773T>C on transcript NM_015450.3 (MANE Select); coding-DNA position 773, T replaced by C.
Protein change: p.Met258Thr; replaces methionine 258 with threonine.
Molecular consequence: missense variant. On other transcripts: non-coding transcript variant (3).
Genome position (GRCh38, 1-based): chr7:124,853,068, A>G on the plus strand (T>C on the coding strand, the complement: POT1 is on the minus strand). VCF-style: chr7-124853068-A-G. GRCh37 (hg19) VCF-style: chr7-124493122-A-G.
Other names: c.380T>C, p.Met127Thr (NM_001042594.2); short protein forms M127T, M258T.
Identifiers: ClinVar variation 644098 (VCV000644098.14), dbSNP rs1584765693, ClinGen allele CA369055530.

ClinVar aggregate classification (germline): Conflicting classifications of pathogenicity. Review status: criteria provided, conflicting classifications (1 of 4 stars). 3 submissions from 3 submitters: Uncertain significance (2); Likely benign (1). Last evaluated 2026-07-24.

Conditions:
Hereditary cancer-predisposing syndrome. Also called: Neoplastic Syndromes, Hereditary; Hereditary Cancer Syndrome; Hereditary neoplastic syndrome; Tumor predisposition. Identifiers: Orphanet 140162, MedGen C0027672, MeSH D009386, MONDO:0015356.
Tumor predisposition syndrome 3 (TPDS3). Also called: Melanoma, cutaneous malignant, susceptibility to, 10; Glioma susceptibility 9; LONG TELOMERE SYNDROME, POT1-RELATED; POT1 Tumor Predisposition. Identifiers: Orphanet 618, MedGen C4014476, MONDO:0014368, OMIM 615848.

Allele frequency attached by ClinVar (database versions not stated): TOPMed 0.00002.

Submissions (3):

Ambry Genetics
Classification: Likely benign for Hereditary cancer-predisposing syndrome. Last evaluated: 2026-07-24. Review status: criteria provided, single submitter. Criteria: Ambry Variant Classification Scheme 2023. Collection method: clinical testing. Allele origin: germline.

Labcorp Genetics (formerly Invitae), Labcorp
Classification: Uncertain significance for Tumor predisposition syndrome 3. Last evaluated: 2025-04-27. Review status: criteria provided, single submitter. Criteria: Invitae Variant Classification Sherloc (09022015). Collection method: clinical testing. Allele origin: germline.
Comment: This sequence change replaces methionine, which is neutral and non-polar, with threonine, which is neutral and polar, at codon 258 of the POT1 protein (p.Met258Thr). This variant is not present in population databases (gnomAD no frequency). This variant has not been reported in the literature in individuals affected with POT1-related conditions. ClinVar contains an entry for this variant (Variation ID: 644098). Invitae Evidence Modeling of protein sequence and biophysical properties (such as structural, functional, and spatial information, amino acid conservation, physicochemical variation, residue mobility, and thermodynamic stability) indicates that this missense variant is not expected to disrupt POT1 protein function with a negative predictive value of 80%. RNA analysis performed to evaluate the impact of this missense change on mRNA splicing indicates it does not significantly alter splicing (internal data). In summary, the available evidence is currently insufficient to determine the role of this variant in disease. Therefore, it has been classified as a Variant of Uncertain Significance.

GeneDx
Classification: Uncertain significance. Last evaluated: 2020-09-18. Review status: criteria provided, single submitter. Criteria: GeneDx Variant Classification Process June 2021. Collection method: clinical testing. Allele origin: germline. Affected: yes.
Comment: Not observed in large population cohorts (Lek 2016); In silico analysis supports that this missense variant does not alter protein structure/function; Has not been previously published as pathogenic or benign to our knowledge